The following is an entry in ClinVar:

ClinVar aggregate classification (germline): Uncertain significance (1 of 4 stars; one submission).

Conditions:
Holoprosencephaly sequence (HPE). Also called: Holoprosencephaly. Identifiers: Orphanet 2162, MedGen C0079541, MONDO:0016296, HP:0001360.

Allele frequency attached by ClinVar (database versions not stated): ExAC 0.00001; gnomAD exomes 0.00001.
gnomAD v4.1: 9 of 1,613,118 alleles (0.00056%); highest among the groups gnomAD compares: South Asian, 0.0099%; no homozygotes.

Submission:

Labcorp Genetics (formerly Invitae), Labcorp
Classification: Uncertain significance for Holoprosencephaly sequence. Last evaluated: 2025-02-05. Review status: criteria provided, single submitter. Criteria: Invitae Variant Classification Sherloc (09022015). Collection method: clinical testing. Allele origin: germline.
Comment: This sequence change replaces cysteine, which is neutral and slightly polar, with tyrosine, which is neutral and polar, at codon 325 of the FOXH1 protein (p.Cys325Tyr). This variant is present in population databases (rs770253235, gnomAD 0.006%). This variant has not been reported in the literature in individuals affected with FOXH1-related conditions. ClinVar contains an entry for this variant (Variation ID: 572194). Invitae Evidence Modeling of protein sequence and biophysical properties (such as structural, functional, and spatial information, amino acid conservation, physicochemical variation, residue mobility, and thermodynamic stability) indicates that this missense variant is not expected to disrupt FOXH1 protein function with a negative predictive value of 80%. In summary, the available evidence is currently insufficient to determine the role of this variant in disease. Therefore, it has been classified as a Variant of Uncertain Significance.

NM_003923.3(FOXH1):c.974G>A (p.Cys325Tyr)

Gene: FOXH1 (forkhead box H1; minus strand). Cytogenetic location: 8q24.3.
Variant type: single nucleotide variant.
Coding change: c.974G>A on transcript NM_003923.3 (MANE Select); coding-DNA position 974, G replaced by A.
Protein change: p.Cys325Tyr; replaces cysteine 325 with tyrosine.
Molecular consequence: missense variant.
Genome position (GRCh38, 1-based): chr8:144,474,362, C>T on the plus strand (G>A on the coding strand, the complement: FOXH1 is on the minus strand). VCF-style: chr8-144474362-C-T. GRCh37 (hg19) VCF-style: chr8-145699745-C-T.
Other names: short protein forms C325Y.
Identifiers: ClinVar variation 572194 (VCV000572194.5), dbSNP rs770253235, ClinGen allele CA4945386.
Genomic context (GRCh38, chr8:144,474,362, plus strand): 5'-ACCCAAACGTCGTAGATGCTTTTGTTGGGTGGCACCCCTTGGAAGAGGGCGTCTAGATCG[C>T]AGAGCAGCCCTGGGGGCCCTCGGGTTTCAGGGGCCACCCCCCAGTAGGCAGGGCTGGTTG-3'
Protein context (NP_003914.1, residues 315-335): PETRGPPGLL[Cys325Tyr]DLDALFQGVP